The following is an entry in ClinVar:

NM_030973.4(MED25):c.2168G>A (p.Gly723Asp)

Gene: MED25 (mediator complex subunit 25; plus strand). Cytogenetic location: 19q13.33.
Variant type: single nucleotide variant.
Coding change: c.2168G>A on transcript NM_030973.4 (MANE Select); coding-DNA position 2168, G replaced by A.
Protein change: p.Gly723Asp; replaces glycine 723 with aspartic acid.
Molecular consequence: missense variant. On other transcripts: intron variant (1).
Genome position (GRCh38, 1-based): chr19:49,836,868, G>A. VCF-style: chr19-49836868-G-A. GRCh37 (hg19) VCF-style: chr19-50340125-G-A.
Other names: c.2146+462G>A (NM_001378355.1); short protein forms G723D.
Identifiers: ClinVar variation 933903 (VCV000933903.9), dbSNP rs2074102870, ClinGen allele CA406922501.

ClinVar aggregate classification (germline): Uncertain significance (1 of 4 stars; one submission).

Conditions:
Charcot-Marie-Tooth disease type 2. Also called: Charcot-Marie-Tooth type 2. Identifiers: Orphanet 64746, MedGen C0270914, MONDO:0018993.

Allele frequency attached by ClinVar (database versions not stated): TOPMed below 0.00001; gnomAD 0.00001.
gnomAD v4.1: 1 of 1,611,660 alleles (0.000062%); highest among the groups gnomAD compares: Non-Finnish European, 0.000085%; no homozygotes.

Submission:

Labcorp Genetics (formerly Invitae), Labcorp
Classification: Uncertain significance for Charcot-Marie-Tooth disease type 2. Last evaluated: 2023-11-27. Review status: criteria provided, single submitter. Criteria: Invitae Variant Classification Sherloc (09022015). Collection method: clinical testing. Allele origin: germline.
Comment: This sequence change replaces glycine, which is neutral and non-polar, with aspartic acid, which is acidic and polar, at codon 723 of the MED25 protein (p.Gly723Asp). This variant is not present in population databases (gnomAD no frequency). This variant has not been reported in the literature in individuals affected with MED25-related conditions. ClinVar contains an entry for this variant (Variation ID: 933903). An algorithm developed to predict the effect of missense changes on protein structure and function (PolyPhen-2) suggests that this variant is likely to be disruptive. In summary, the available evidence is currently insufficient to determine the role of this variant in disease. Therefore, it has been classified as a Variant of Uncertain Significance.